The following is an entry in ClinVar:

NM_022367.4(SEMA4A):c.2260A>G (p.Asn754Asp)

Gene: SEMA4A (semaphorin 4A; plus strand). Cytogenetic location: 1q22.
Variant type: single nucleotide variant.
Coding change: c.2260A>G on transcript NM_022367.4 (MANE Select); coding-DNA position 2260, A replaced by G.
Protein change: p.Asn754Asp; replaces asparagine 754 with aspartic acid.
Molecular consequence: missense variant.
Genome position (GRCh38, 1-based): chr1:156,176,971, A>G. VCF-style: chr1-156176971-A-G. GRCh37 (hg19) VCF-style: chr1-156146762-A-G.
Other names: c.2260A>G, p.Asn754Asp (NM_001193300.2, NM_001193301.2, NM_001370567.1); c.1864A>G, p.Asn622Asp (NM_001193302.2); c.1963A>G, p.Asn655Asp (NM_001370568.1); c.1753A>G, p.Asn585Asp (NM_001370569.1, NM_001370571.1); short protein forms N655D, N622D, N754D, N585D.
Identifiers: ClinVar variation 1504658 (VCV001504658.8), dbSNP rs1441880539, ClinGen allele CA342814068.

ClinVar aggregate classification (germline): Uncertain significance (1 of 4 stars; one submission).

Allele frequency attached by ClinVar (database versions not stated): gnomAD exomes below 0.00001.
gnomAD v4.1: 3 of 1,612,100 alleles (0.00019%); highest among the groups gnomAD compares: South Asian, 0.0011%; no homozygotes.

Submission:

Labcorp Genetics (formerly Invitae), Labcorp
Classification: Uncertain significance. Last evaluated: 2023-05-08. Review status: criteria provided, single submitter. Criteria: Invitae Variant Classification Sherloc (09022015). Collection method: clinical testing. Allele origin: germline.
Comment: In summary, the available evidence is currently insufficient to determine the role of this variant in disease. Therefore, it has been classified as a Variant of Uncertain Significance. Algorithms developed to predict the effect of missense changes on protein structure and function output the following: SIFT: "Not Available"; PolyPhen-2: "Benign"; Align-GVGD: "Not Available". The aspartic acid amino acid residue is found in multiple mammalian species, which suggests that this missense change does not adversely affect protein function. ClinVar contains an entry for this variant (Variation ID: 1504658). This variant has not been reported in the literature in individuals affected with SEMA4A-related conditions. The frequency data for this variant in the population databases is considered unreliable, as metrics indicate poor data quality at this position in the gnomAD database. This sequence change replaces asparagine, which is neutral and polar, with aspartic acid, which is acidic and polar, at codon 754 of the SEMA4A protein (p.Asn754Asp).